The following is an entry in ClinVar:

ClinVar aggregate classification (germline): Uncertain significance (1 of 4 stars; one submission).

Submission:

GeneDx
Classification: Uncertain significance. Last evaluated: 2024-03-06. Review status: criteria provided, single submitter. Criteria: GeneDx Variant Classification Process June 2021. Collection method: clinical testing. Allele origin: germline. Affected: yes.
Comment: Not observed at significant frequency in large population cohorts (gnomAD); In silico analysis supports that this missense variant has a deleterious effect on protein structure/function; This variant is associated with the following publications: (PMID: 35778421)

NM_001009944.3(PKD1):c.7115C>T (p.Ser2372Phe)

Gene: PKD1 (polycystin 1, transient receptor potential channel interacting; minus strand). Cytogenetic location: 16p13.3.
Variant type: single nucleotide variant.
Coding change: c.7115C>T on transcript NM_001009944.3 (MANE Select); coding-DNA position 7115, C replaced by T.
Protein change: p.Ser2372Phe; replaces serine 2372 with phenylalanine.
Molecular consequence: missense variant.
Genome position (GRCh38, 1-based): chr16:2,106,899, G>A on the plus strand (C>T on the coding strand, the complement: PKD1 is on the minus strand). VCF-style: chr16-2106899-G-A. GRCh37 (hg19) VCF-style: chr16-2156900-G-A.
Other names: c.7115C>T, p.Ser2372Phe (NM_000296.4); short protein forms S2372F.
Identifiers: ClinVar variation 3342857 (VCV003342857.1).